The following is an entry in ClinVar:

NM_201384.3(PLEC):c.10729G>A (p.Gly3577Ser)

Gene: PLEC (plectin; minus strand). Cytogenetic location: 8q24.3.
Variant type: single nucleotide variant.
Coding change: c.10729G>A on transcript NM_201384.3 (MANE Select); coding-DNA position 10729, G replaced by A.
Protein change: p.Gly3577Ser; replaces glycine 3577 with serine.
Molecular consequence: missense variant.
Genome position (GRCh38, 1-based): chr8:143,919,092, C>T on the plus strand (G>A on the coding strand, the complement: PLEC is on the minus strand). VCF-style: chr8-143919092-C-T. GRCh37 (hg19) VCF-style: chr8-144993260-C-T.
Other names: c.10810G>A (NM_000445.3); c.10810G>A, p.Gly3604Ser (NM_000445.5); c.10687G>A, p.Gly3563Ser (NM_201378.4); c.10663G>A, p.Gly3555Ser (NM_201379.3); c.11140G>A, p.Gly3714Ser (NM_201380.4); c.10633G>A, p.Gly3545Ser (NM_201381.3); c.10729G>A, p.Gly3577Ser (NM_201382.4); c.10741G>A, p.Gly3581Ser (NM_201383.3); short protein forms G3555S, G3563S, G3714S, G3577S, G3604S, G3545S, G3581S.
Identifiers: ClinVar variation 597799 (VCV000597799.23), dbSNP rs782299720, ClinGen allele CA4924550.

ClinVar aggregate classification (germline): Conflicting classifications of pathogenicity. Review status: criteria provided, conflicting classifications (1 of 4 stars). 5 submissions from 5 submitters: Uncertain significance (4); Likely benign (1). Last evaluated 2025-02-25.

Conditions:
Inborn genetic diseases. Identifiers: MedGen C0950123, MeSH D030342.
Epidermolysis bullosa simplex 5B, with muscular dystrophy (EBS5B). Also called: Epidermolysis bullosa simplex with muscular dystrophy; EPIDERMOLYSIS BULLOSA SIMPLEX AND LIMB-GIRDLE MUSCULAR DYSTROPHY. Identifiers: Orphanet 257, MedGen C2931072, MONDO:0009181, OMIM 226670.
Epidermolysis bullosa simplex, Ogna type (EBS5A). Also called: Pidermolysis bullosa simplex 5A, Ogna type; EPIDERMOLYSIS BULLOSA SIMPLEX 5A, OGNA TYPE. Identifiers: Orphanet 79401, MedGen C0432317, MONDO:0007555, OMIM 131950.
Epidermolysis bullosa simplex with nail dystrophy (EBS5D). Identifiers: MedGen C4225309, MONDO:0014661, OMIM 616487.
Autosomal recessive limb-girdle muscular dystrophy type 2Q (LGMDR17). Also called: MUSCULAR DYSTROPHY, LIMB-GIRDLE, AUTOSOMAL RECESSIVE 17. Identifiers: Orphanet 254361, MedGen C3150989, MONDO:0013390, OMIM 613723.
Epidermolysis bullosa simplex 5C, with pyloric atresia (EBS5C). Also called: PLEC-Related Epidermolysis Bullosa with Pyloric Atresia; Epidermolysis bullosa simplex with pyloric atresia; PLEC1-Related Epidermolysis Bullosa with Pyloric Atresia. Identifiers: Orphanet 158684, MedGen C2677349, MONDO:0012807, OMIM 612138.

Allele frequency attached by ClinVar (database versions not stated): ExAC 0.00002; gnomAD exomes 0.00002 and 0.00004; gnomAD 0.00003 and 0.00004; TOPMed 0.00011.
gnomAD v4.1: 33 of 1,611,808 alleles (0.002%); highest among the groups gnomAD compares: Middle Eastern, 0.033%; no homozygotes.

Submissions (5):

Labcorp Genetics (formerly Invitae), Labcorp
Classification: Uncertain significance for Autosomal recessive limb-girdle muscular dystrophy type 2Q; Epidermolysis bullosa simplex, Ogna type; Epidermolysis bullosa simplex with nail dystrophy; Epidermolysis bullosa simplex 5C, with pyloric atresia; Epidermolysis bullosa simplex 5B, with muscular dystrophy. Last evaluated: 2025-02-25. Review status: criteria provided, single submitter. Criteria: Invitae Variant Classification Sherloc (09022015). Collection method: clinical testing. Allele origin: germline.
Comment: This sequence change replaces glycine, which is neutral and non-polar, with serine, which is neutral and polar, at codon 3604 of the PLEC protein (p.Gly3604Ser). This variant is present in population databases (rs782299720, gnomAD 0.02%). This variant has not been reported in the literature in individuals affected with PLEC-related conditions. ClinVar contains an entry for this variant (Variation ID: 597799). An algorithm developed to predict the effect of missense changes on protein structure and function outputs the following: PolyPhen-2: "Benign". The serine amino acid residue is found in multiple mammalian species, which suggests that this missense change does not adversely affect protein function. In summary, the available evidence is currently insufficient to determine the role of this variant in disease. Therefore, it has been classified as a Variant of Uncertain Significance.

Revvity Omics, Revvity
Classification: Uncertain significance. Last evaluated: 2024-11-05. Review status: criteria provided, single submitter. Criteria: ACMG Guidelines, 2015. Collection method: clinical testing. Allele origin: germline.

Ambry Genetics
Classification: Uncertain significance for Inborn genetic diseases. Last evaluated: 2024-05-23. Review status: criteria provided, single submitter. Criteria: Ambry Variant Classification Scheme 2023. Collection method: clinical testing. Allele origin: germline.

Laboratorio de Genetica e Diagnostico Molecular, Hospital Israelita Albert Einstein
Classification: Likely benign. Last evaluated: 2020-04-24. Review status: criteria provided, single submitter. Criteria: ACMG Guidelines, 2015. Collection method: clinical testing. Allele origin: germline. Affected: yes.
Comment: ACMG classification criteria: PM2, BP1, BP4

Eurofins Ntd Llc (ga)
Classification: Uncertain significance. Last evaluated: 2018-06-28. Review status: criteria provided, single submitter. Criteria: EGL ClinVar v180209 classification definitions. Collection method: clinical testing. Allele origin: germline. Observed: 2 variant alleles, 2 heterozygotes.